The following is an entry in ClinVar:

NM_004329.3(BMPR1A):c.1354G>A (p.Glu452Lys)

Gene: BMPR1A (bone morphogenetic protein receptor type 1A; plus strand). Cytogenetic location: 10q23.2.
Variant type: single nucleotide variant.
Coding change: c.1354G>A on transcript NM_004329.3 (MANE Select); coding-DNA position 1354, G replaced by A.
Protein change: p.Glu452Lys; replaces glutamic acid 452 with lysine.
Molecular consequence: missense variant. On other transcripts: non-coding transcript variant (3).
Genome position (GRCh38, 1-based): chr10:86,923,387, G>A. VCF-style: chr10-86923387-G-A. GRCh37 (hg19) VCF-style: chr10-88683144-G-A.
Other names: c.1270G>A, p.Glu424Lys (NM_001406584.1, NM_001406585.1, NM_001406586.1 and 2 more transcripts); c.1012G>A, p.Glu338Lys (NM_001406589.1); c.1429G>A, p.Glu477Lys (NM_001406559.1); c.1402G>A, p.Glu468Lys (NM_001406560.1); c.1354G>A, p.Glu452Lys (NM_001406561.1, NM_001406562.1, NM_001406563.1 and 19 more transcripts); c.1348G>A, p.Glu450Lys (NM_001406583.1); short protein forms E424K, E338K, E477K, E450K, E452K, E468K.
Identifiers: ClinVar variation 5033009 (VCV005033009.1).

ClinVar aggregate classification (germline): Uncertain significance (1 of 4 stars; one submission).

Conditions:
Hereditary cancer-predisposing syndrome. Also called: Neoplastic Syndromes, Hereditary; Tumor predisposition; Hereditary neoplastic syndrome; Hereditary Cancer Syndrome. Identifiers: Orphanet 140162, MedGen C0027672, MeSH D009386, MONDO:0015356.

Submission:

Ambry Genetics
Classification: Uncertain significance for Hereditary cancer-predisposing syndrome. Last evaluated: 2026-07-07. Review status: criteria provided, single submitter. Criteria: Ambry Variant Classification Scheme 2023. Collection method: clinical testing. Allele origin: germline.
Comment: The p.E452K variant (also known as c.1354G>A), located in coding exon 10 of the BMPR1A gene, results from a G to A substitution at nucleotide position 1354. The glutamic acid at codon 452 is replaced by lysine, an amino acid with similar properties. This amino acid position is conserved. In addition, the in silico prediction for this alteration is inconclusive. Based on the available evidence, the clinical significance of this variant remains unclear.